The following is an entry in ClinVar:

NM_024642.5(GALNT12):c.1718A>C (p.Lys573Thr)

Gene: GALNT12 (polypeptide N-acetylgalactosaminyltransferase 12; plus strand). Cytogenetic location: 9q22.33.
Variant type: single nucleotide variant.
Coding change: c.1718A>C on transcript NM_024642.5 (MANE Select); coding-DNA position 1718, A replaced by C.
Protein change: p.Lys573Thr; replaces lysine 573 with threonine.
Molecular consequence: missense variant.
Genome position (GRCh38, 1-based): chr9:98,849,064, A>C. VCF-style: chr9-98849064-A-C. GRCh37 (hg19) VCF-style: chr9-101611346-A-C.
Other names: short protein forms K573T.
Identifiers: ClinVar variation 4871636 (VCV004871636.1).

ClinVar aggregate classification (germline): Uncertain significance (1 of 4 stars; one submission).

gnomAD v4.1: 1 of 1,614,222 alleles (0.000062%); highest among the groups gnomAD compares: Non-Finnish European, 0.000085%; no homozygotes.

Submission:

Ambry Genetics
Classification: Uncertain significance. Last evaluated: 2026-03-15. Review status: criteria provided, single submitter. Criteria: Ambry Variant Classification Scheme 2023. Collection method: clinical testing. Allele origin: germline.
Comment: The p.K573T variant (also known as c.1718A>C), located in coding exon 10 of the GALNT12 gene, results from an A to C substitution at nucleotide position 1718. The lysine at codon 573 is replaced by threonine, an amino acid with similar properties. This amino acid position is conserved. In addition, this alteration is predicted to be tolerated by in silico analysis. Based on the available evidence, the clinical significance of this variant remains unclear.